The following is an entry in ClinVar:

ClinVar aggregate classification (germline): Uncertain significance (1 of 4 stars; one submission).

Allele frequency attached by ClinVar (database versions not stated): TOPMed below 0.00001; gnomAD 0.00001; gnomAD exomes 0.00001.
gnomAD v4.1: 7 of 1,614,020 alleles (0.00043%); highest among the groups gnomAD compares: Middle Eastern, 0.016%; no homozygotes.

Submission:

Labcorp Genetics (formerly Invitae), Labcorp
Classification: Uncertain significance. Last evaluated: 2024-08-16. Review status: criteria provided, single submitter. Criteria: Invitae Variant Classification Sherloc (09022015). Collection method: clinical testing. Allele origin: germline.
Comment: This sequence change replaces valine, which is neutral and non-polar, with isoleucine, which is neutral and non-polar, at codon 734 of the ZNF687 protein (p.Val734Ile). The frequency data for this variant in the population databases is considered unreliable, as metrics indicate poor data quality at this position in the gnomAD database. This variant has not been reported in the literature in individuals affected with ZNF687-related conditions. An algorithm developed to predict the effect of missense changes on protein structure and function outputs the following: PolyPhen-2: "Probably Damaging". The isoleucine amino acid residue is found in multiple mammalian species, which suggests that this missense change does not adversely affect protein function. In summary, the available evidence is currently insufficient to determine the role of this variant in disease. Therefore, it has been classified as a Variant of Uncertain Significance.

NM_020832.3(ZNF687):c.2200G>A (p.Val734Ile)

Gene: ZNF687 (zinc finger protein 687; plus strand). Cytogenetic location: 1q21.3.
Variant type: single nucleotide variant.
Coding change: c.2200G>A on transcript NM_020832.3 (MANE Select); coding-DNA position 2200, G replaced by A.
Protein change: p.Val734Ile; replaces valine 734 with isoleucine.
Molecular consequence: missense variant.
Genome position (GRCh38, 1-based): chr1:151,288,612, G>A. VCF-style: chr1-151288612-G-A. GRCh37 (hg19) VCF-style: chr1-151261088-G-A.
Other names: c.2200G>A, p.Val734Ile (NM_001304763.2, NM_001304764.2); short protein forms V734I.
Identifiers: ClinVar variation 3003621 (VCV003003621.3), dbSNP rs879589841, ClinGen allele CA29519788.